The following is an entry in ClinVar:

ClinVar aggregate classification (germline): Uncertain significance. Review status: criteria provided, multiple submitters, no conflicts (2 of 4 stars). 2 submissions from 2 submitters: Uncertain significance (2). Last evaluated 2026-01-26.

Conditions:
Cardiovascular phenotype. Identifiers: MedGen CN230736.
Progressive familial heart block type IB (PFHB1B). Identifiers: Orphanet 871, MedGen C1970298, MONDO:0011474, OMIM 604559.

gnomAD v4.1: 15 of 1,599,896 alleles (0.00094%); highest among the groups gnomAD compares: African/African-American, 0.0013%; no homozygotes.

Submissions (2):

Labcorp Genetics (formerly Invitae), Labcorp
Classification: Uncertain significance for Progressive familial heart block type IB. Last evaluated: 2026-01-26. Review status: criteria provided, single submitter. Criteria: Invitae Variant Classification Sherloc (09022015). Collection method: clinical testing. Allele origin: germline.
Comment: This sequence change replaces arginine, which is basic and polar, with cysteine, which is neutral and slightly polar, at codon 1195 of the TRPM4 protein (p.Arg1195Cys). This variant is present in population databases (no rsID available, gnomAD 0.01%). This variant has not been reported in the literature in individuals affected with TRPM4-related conditions. ClinVar contains an entry for this variant (Variation ID: 3462159). An algorithm developed to predict the effect of missense changes on protein structure and function (PolyPhen-2) suggests that this variant is likely to be disruptive. In summary, the available evidence is currently insufficient to determine the role of this variant in disease. Therefore, it has been classified as a Variant of Uncertain Significance.

Ambry Genetics
Classification: Uncertain significance for Cardiovascular phenotype. Last evaluated: 2024-11-23. Review status: criteria provided, single submitter. Criteria: Ambry Variant Classification Scheme 2023. Collection method: clinical testing. Allele origin: germline.
Comment: The p.R1195C variant (also known as c.3583C>T), located in coding exon 24 of the TRPM4 gene, results from a C to T substitution at nucleotide position 3583. The arginine at codon 1195 is replaced by cysteine, an amino acid with highly dissimilar properties. This amino acid position is conserved. In addition, this alteration is predicted to be tolerated by in silico analysis. Based on the available evidence, the clinical significance of this variant remains unclear.

NM_017636.4(TRPM4):c.3583C>T (p.Arg1195Cys)

Gene: TRPM4 (transient receptor potential cation channel subfamily M member 4; plus strand). Cytogenetic location: 19q13.33.
Variant type: single nucleotide variant.
Coding change: c.3583C>T on transcript NM_017636.4 (MANE Select); coding-DNA position 3583, C replaced by T.
Protein change: p.Arg1195Cys; replaces arginine 1195 with cysteine.
Molecular consequence: missense variant.
Genome position (GRCh38, 1-based): chr19:49,211,212, C>T. VCF-style: chr19-49211212-C-T. GRCh37 (hg19) VCF-style: chr19-49714469-C-T.
Other names: c.3148C>T, p.Arg1050Cys (NM_001195227.2); c.3238C>T, p.Arg1080Cys (NM_001321281.2); c.1975C>T, p.Arg659Cys (NM_001321282.2); c.3061C>T, p.Arg1021Cys (NM_001321283.2); c.2521C>T, p.Arg841Cys (NM_001321285.2); short protein forms R1080C, R1195C, R841C, R659C, R1021C, R1050C.
Identifiers: ClinVar variation 3462159 (VCV003462159.2).
Genomic context (GRCh38, chr19:49,211,212, plus strand): 5'-CCCATTCCGCAGGTCCAGCAGTGTAGCCGCGTCCTGGGGTGGGTGGCCGAGGCCCTGAGC[C>T]GCTCTGCCTTGCTGCCCCCAGGTGGGCCGCCACCCCCTGACCTGCCTGGGTCCAAAGGTC-3'
Protein context (NP_060106.2, residues 1185-1205): VLGWVAEALS[Arg1195Cys]SALLPPGGPP